The following is an entry in ClinVar:

ClinVar aggregate classification (germline): Uncertain significance (1 of 4 stars; one submission).

Submission:

Labcorp Genetics (formerly Invitae), Labcorp
Classification: Uncertain significance. Last evaluated: 2024-07-08. Review status: criteria provided, single submitter. Criteria: Invitae Variant Classification Sherloc (09022015). Collection method: clinical testing. Allele origin: germline.
Comment: This sequence change replaces aspartic acid, which is acidic and polar, with valine, which is neutral and non-polar, at codon 2337 of the ACAN protein (p.Asp2337Val). This variant is not present in population databases (gnomAD no frequency). This variant has not been reported in the literature in individuals affected with ACAN-related conditions. An algorithm developed to predict the effect of missense changes on protein structure and function (PolyPhen-2) suggests that this variant is likely to be disruptive. In summary, the available evidence is currently insufficient to determine the role of this variant in disease. Therefore, it has been classified as a Variant of Uncertain Significance.

NM_001369268.1(ACAN):c.7124A>T (p.Asp2375Val)

Gene: ACAN (aggrecan; plus strand). Cytogenetic location: 15q26.1.
Variant type: single nucleotide variant.
Coding change: c.7124A>T on transcript NM_001369268.1 (MANE Select); coding-DNA position 7124, A replaced by T.
Protein change: p.Asp2375Val; replaces aspartic acid 2375 with valine.
Molecular consequence: missense variant.
Genome position (GRCh38, 1-based): chr15:88,871,445, A>T. VCF-style: chr15-88871445-A-T. GRCh37 (hg19) VCF-style: chr15-89414676-A-T.
Other names: c.6896A>T, p.Asp2299Val (NM_001135.4, NM_001411096.1); c.7010A>T, p.Asp2337Val (NM_001411097.1, NM_013227.4); short protein forms D2299V, D2375V, D2337V.
Identifiers: ClinVar variation 3659035 (VCV003659035.2).